The following is an entry in ClinVar:

ClinVar aggregate classification (germline): Conflicting classifications of pathogenicity. Review status: criteria provided, conflicting classifications (1 of 4 stars). 7 submissions from 3 submitters: Uncertain significance (6); Likely benign (1). Last evaluated 2025-07-28.

Conditions:
Dilated cardiomyopathy 1G (CMD1G). Identifiers: Orphanet 154, MedGen C1858763, MONDO:0011400, OMIM 604145.
Early-onset myopathy with fatal cardiomyopathy (CMYO5). Also called: CONGENITAL MYOPATHY 5 WITH CARDIOMYOPATHY; Salih Myopathy. Identifiers: Orphanet 289377, MedGen C2673677, MONDO:0012714, OMIM 611705. Disease mechanism: loss of function.
Tibial muscular dystrophy (TMD). Also called: Udd Distal Myopathy – Tibial Muscular Dystrophy; UDD MYOPATHY; Tibial muscular dystrophy, tardive. Identifiers: Orphanet 609, MedGen C1838244, MONDO:0010870, OMIM 600334.
Myopathy, myofibrillar, 9, with early respiratory failure (MFM9). Also called: Myopathy, distal, with early respiratory failure, autosomal dominant; Hereditary myopathy with early respiratory failure; EDSTROM MYOPATHY; MYOPATHY, PROXIMAL, WITH EARLY RESPIRATORY MUSCLE INVOLVEMENT. Identifiers: Orphanet 178464, Orphanet 34521, MedGen C1863599, MONDO:0011362, OMIM 603689.
Autosomal recessive limb-girdle muscular dystrophy type 2J (LGMDR10). Also called: MUSCULAR DYSTROPHY, LIMB-GIRDLE, AUTOSOMAL RECESSIVE 10; Limb-girdle muscular dystrophy, type 2J. Identifiers: Orphanet 140922, MedGen C1837342, MONDO:0012127, OMIM 608807.

Allele frequency attached by ClinVar (database versions not stated): gnomAD exomes below 0.00001 and 0.00002; ExAC 0.00001; gnomAD 0.00002; TOPMed 0.00002.
gnomAD v4.1: 27 of 1,613,164 alleles (0.0017%); highest among the groups gnomAD compares: Non-Finnish European, 0.0022%; no homozygotes.

Submissions (7):

Women's Health and Genetics/Laboratory Corporation of America, LabCorp
Classification: Uncertain significance. Last evaluated: 2025-07-28. Review status: criteria provided, single submitter. Criteria: LabCorp Variant Classification Summary - May 2015. Collection method: clinical testing. Allele origin: germline.

Molecular Diagnostic Laboratory for Inherited Cardiovascular Disease, Montreal Heart Institute
Classification: Likely benign. Last evaluated: 2025-04-09. Review status: criteria provided, single submitter. Criteria: ACMG Guidelines, 2015. Collection method: clinical testing. Allele origin: germline. Affected: no.
Comment: BP1

Illumina Laboratory Services, Illumina
Classification: Uncertain significance for Myopathy, myofibrillar, 9, with early respiratory failure. Last evaluated: 2018-01-13. Review status: criteria provided, single submitter. Criteria: ICSL Variant Classification Criteria 13 December 2019. Collection method: clinical testing. Allele origin: germline.

Illumina Laboratory Services, Illumina
Classification: Uncertain significance for Early-onset myopathy with fatal cardiomyopathy. Last evaluated: 2018-01-13. Review status: criteria provided, single submitter. Criteria: ICSL Variant Classification Criteria 13 December 2019. Collection method: clinical testing. Allele origin: germline.

Illumina Laboratory Services, Illumina
Classification: Uncertain significance for Dilated cardiomyopathy 1G. Last evaluated: 2018-01-13. Review status: criteria provided, single submitter. Criteria: ICSL Variant Classification Criteria 13 December 2019. Collection method: clinical testing. Allele origin: germline.

Illumina Laboratory Services, Illumina
Classification: Uncertain significance for Autosomal recessive limb-girdle muscular dystrophy type 2J. Last evaluated: 2018-01-13. Review status: criteria provided, single submitter. Criteria: ICSL Variant Classification Criteria 13 December 2019. Collection method: clinical testing. Allele origin: germline.

Illumina Laboratory Services, Illumina
Classification: Uncertain significance for Tibial muscular dystrophy. Last evaluated: 2018-01-13. Review status: criteria provided, single submitter. Criteria: ICSL Variant Classification Criteria 13 December 2019. Collection method: clinical testing. Allele origin: germline.

NM_001267550.2(TTN):c.20680G>C (p.Val6894Leu)

Gene: TTN (titin; minus strand). Cytogenetic location: 2q31.2.
Variant type: single nucleotide variant.
Coding change: c.20680G>C on transcript NM_001267550.2 (MANE Select); coding-DNA position 20680, G replaced by C.
Protein change: p.Val6894Leu; replaces valine 6894 with leucine.
Molecular consequence: missense variant. On other transcripts: intron variant (3).
Genome position (GRCh38, 1-based): chr2:178,725,524, C>G on the plus strand (G>C on the coding strand, the complement: TTN is on the minus strand). VCF-style: chr2-178725524-C-G. GRCh37 (hg19) VCF-style: chr2-179590251-C-G.
Other names: c.19729G>C, p.Val6577Leu (NM_001256850.1); c.16948G>C, p.Val5650Leu (NM_133378.4); c.13282+12558G>C (NM_003319.4); c.13858+12558G>C (NM_133437.4); c.13657+12558G>C (NM_133432.3); short protein forms V6894L, V5650L, V6577L.
Identifiers: ClinVar variation 332918 (VCV000332918.7), dbSNP rs774362265, ClinGen allele CA2001169.